The following is an entry in ClinVar:

NM_080424.4(SP110):c.2120G>A (p.Gly707Asp)

Gene: SP110 (SP110 nuclear body protein; minus strand). Cytogenetic location: 2q37.1.
Variant type: single nucleotide variant.
Coding change: c.2120G>A on transcript NM_080424.4 (MANE Select); coding-DNA position 2120, G replaced by A.
Protein change: p.Gly707Asp; replaces glycine 707 with aspartic acid.
Molecular consequence: missense variant.
Genome position (GRCh38, 1-based): chr2:230,169,146, C>T on the plus strand (G>A on the coding strand, the complement: SP110 is on the minus strand). VCF-style: chr2-230169146-C-T. GRCh37 (hg19) VCF-style: chr2-231033862-C-T.
Other names: c.2216G>A, p.Gly739Asp (NM_001378442.1); c.2198G>A, p.Gly733Asp (NM_001378443.1); c.2138G>A, p.Gly713Asp (NM_001378444.1); c.2066G>A, p.Gly689Asp (NM_001378445.1); c.1925G>A, p.Gly642Asp (NM_001378446.1); c.2048G>A, p.Gly683Asp (NM_004509.5); short protein forms G707D, G683D, G642D, G689D, G713D, G733D, G739D.
Identifiers: ClinVar variation 334891 (VCV000334891.9), dbSNP rs115052010, ClinGen allele CA2154234.

ClinVar aggregate classification (germline): Uncertain significance. Review status: criteria provided, multiple submitters, no conflicts (2 of 4 stars). 4 submissions from 3 submitters: Uncertain significance (4). Last evaluated 2025-09-25.

Conditions:
Hepatic veno-occlusive disease-immunodeficiency syndrome. Also called: Hepatic Veno-Occlusive Disease with Immunodeficiency. Identifiers: Orphanet 79124, MedGen C1856128, MONDO:0009338, OMIM 235550. Disease mechanism: loss of function.
Mycobacterium tuberculosis, susceptibility to. Identifiers: MedGen C1834752, OMIM 607948.
Inborn genetic diseases. Identifiers: MedGen C0950123, MeSH D030342.

Allele frequency attached by ClinVar (database versions not stated): gnomAD exomes 0.00002 and 0.00008; ExAC 0.00011; 1000 Genomes Project 30x 0.00016; 1000 Genomes Project 0.00020; gnomAD 0.00026 and 0.00027; TOPMed 0.00029.
gnomAD v4.1: 73 of 1,613,036 alleles (0.0045%); highest among the groups gnomAD compares: African/African-American, 0.096%; no homozygotes.

Submissions (4):

Ambry Genetics
Classification: Uncertain significance for Inborn genetic diseases. Last evaluated: 2025-09-25. Review status: criteria provided, single submitter. Criteria: Ambry Variant Classification Scheme 2023. Collection method: clinical testing. Allele origin: germline.

Center for Genomics, Ann and Robert H. Lurie Children's Hospital of Chicago
Classification: Uncertain significance for Hepatic veno-occlusive disease-immunodeficiency syndrome. Last evaluated: 2018-09-28. Review status: criteria provided, single submitter. Criteria: ACMG Guidelines, 2015. Collection method: clinical testing. Allele origin: germline.
Comment: SP110 NM_004509.3 exon 18 p.Gly683Asp (c.2048G>A): This variant has not been reported in the literature but is present in 0.1% (26/24012) of African alleles in the Genome Aggregation Database. This variant is present in ClinVar (Variation ID:334891). Evolutionary conservation and computational predictive tools suggest that this variant may not impact the protein. In summary, data on this variant is insufficient for disease classification. Therefore, the clinical significance of this variant is uncertain.

Illumina Laboratory Services, Illumina
Classification: Uncertain significance for Hepatic veno-occlusive disease-immunodeficiency syndrome. Last evaluated: 2018-01-13. Review status: criteria provided, single submitter. Criteria: ICSL Variant Classification Criteria 13 December 2019. Collection method: clinical testing. Allele origin: germline.

Center for Genomics, Ann and Robert H. Lurie Children's Hospital of Chicago
Classification: Uncertain significance for Mycobacterium tuberculosis, susceptibility to; Hepatic veno-occlusive disease-immunodeficiency syndrome. Review status: criteria provided, single submitter. Criteria: ACMG Guidelines, 2015. Collection method: clinical testing. Allele origin: germline.
Comment: the same text as in the submission from Center for Genomics, Ann and Robert H. Lurie Children's Hospital of Chicago above.